The following is an entry in ClinVar:

NM_001042492.3(NF1):c.1722-19_1722-13del

Gene: NF1 (neurofibromin 1; plus strand). Cytogenetic location: 17q11.2.
Variant type: Deletion.
Coding change: c.1722-19_1722-13del on transcript NM_001042492.3 (MANE Select); 19 bases into the intron before coding-DNA position 1722 through 13 bases into the intron before coding-DNA position 1722, 7 bases deleted (GAACTTT; older notation c.1722-19_1722-13delGAACTTT).
Molecular consequence: intron variant.
Genome position (GRCh38, 1-based): chr17:31,223,425-31,223,431, GAACTTT deleted; deleting any 7 consecutive bases within chr17:31,223,424-31,223,431 gives the same sequence; the c. name uses the placement nearest the transcript's 3' end. VCF-style (leftmost placement, unchanged base first): chr17-31223423-ATGAACTT-A. GRCh37 (hg19) VCF-style: chr17-29550441-ATGAACTT-A.
Other names: c.1722-19_1722-13del (NM_000267.4); c.1722-19_1722-13delGAACTTT (NM_000267.3).
Identifiers: ClinVar variation 3238442 (VCV003238442.1), dbSNP rs2508123982.

ClinVar aggregate classification (germline): Uncertain significance (1 of 4 stars; one submission).

Conditions:
Hereditary cancer-predisposing syndrome. Also called: Neoplastic Syndromes, Hereditary; Tumor predisposition; Hereditary neoplastic syndrome; Hereditary Cancer Syndrome. Identifiers: Orphanet 140162, MedGen C0027672, MeSH D009386, MONDO:0015356.
Cardiovascular phenotype. Identifiers: MedGen CN230736.

Submission:

Ambry Genetics
Classification: Uncertain significance for Cardiovascular phenotype; Hereditary cancer-predisposing syndrome. Last evaluated: 2023-09-28. Review status: criteria provided, single submitter. Criteria: Ambry Variant Classification Scheme 2023. Collection method: clinical testing. Allele origin: germline.
Comment: The c.1722-19_1722-13delGAACTTT intronic variant begins 19 nucleotides before coding exon 16 in the NF1 gene. This variant results from a deletion of 7 nucleotides at positions c.1722-19 to c.1722-13. This nucleotide position is well conserved in available vertebrate species. In silico splice site analysis predicts that this alteration may result in the creation or strengthening of a novel splice acceptor site. RNA studies have demonstrated that this alteration results in a transcript predicted to lead to a protein with an in-frame insertion of 12 amino acids; however, the exact functional impact of the inserted amino acids is unknown at this time (Ambry internal data). Since supporting evidence is limited at this time, the clinical significance of this alteration remains unclear.